The following is an entry in ClinVar:

NM_001377.3(DYNC2H1):c.6773T>A (p.Leu2258Ter)

Gene: DYNC2H1 (dynein cytoplasmic 2 heavy chain 1; plus strand). Cytogenetic location: 11q22.3.
Variant type: single nucleotide variant.
Coding change: c.6773T>A on transcript NM_001377.3 (MANE Select); coding-DNA position 6773, T replaced by A.
Protein change: p.Leu2258Ter; replaces leucine 2258 with a stop codon.
Molecular consequence: nonsense.
Genome position (GRCh38, 1-based): chr11:103,186,381, T>A. VCF-style: chr11-103186381-T-A. GRCh37 (hg19) VCF-style: chr11-103057110-T-A.
Other names: c.6773T>A, p.Leu2258Ter (NM_001080463.2); short protein forms L2258*.
Identifiers: ClinVar variation 5012982 (VCV005012982.1).

ClinVar aggregate classification (germline): Pathogenic (1 of 4 stars; one submission).

Conditions:
Asphyxiating thoracic dystrophy 3. Also called: Saldino-Noonan Syndrome; SHORT-RIB THORACIC DYSPLASIA 3 WITH OR WITHOUT POLYDACTYLY; POLYDACTYLY WITH NEONATAL CHONDRODYSTROPHY, TYPE I; SHORT-RIB THORACIC DYSPLASIA 3/6 WITH POLYDACTYLY, DIGENIC; Short rib polydactyly syndrome 2B. Identifiers: Orphanet 474, Orphanet 93269, Orphanet 93270, Orphanet 93271, MedGen C0036069, MONDO:0013127, OMIM 613091.

Submission:

Myriad Genetics, Inc.
Classification: Pathogenic for Asphyxiating thoracic dystrophy 3. Last evaluated: 2024-05-01. Review status: criteria provided, single submitter. Criteria: Myriad Autosomal Dominant, Autosomal Recessive and X-Linked Classification Criteria (2023). Collection method: clinical testing. Allele origin: unknown.
Comment: NM_001377.2(DYNC2H1):c.6773T>A(L2258*) is expected to be pathogenic in the context of DYNC2H1-related disorders. This variant is predicted to lead to an abnormal or absent protein product due to the creation of a premature termination codon in DYNC2H1, a gene where loss-of-function variants are known to be pathogenic. Please note: this variant was assessed in the context of healthy population screening.